The following is an entry in ClinVar:

ClinVar aggregate classification (germline): Uncertain significance (1 of 4 stars; one submission).

Submission:

GeneDx
Classification: Uncertain significance. Last evaluated: 2024-04-04. Review status: criteria provided, single submitter. Criteria: GeneDx Variant Classification Process June 2021. Collection method: clinical testing. Allele origin: germline. Affected: yes.
Comment: Not observed at significant frequency in large population cohorts (gnomAD); In silico analysis indicates that this missense variant does not alter protein structure/function; Has not been previously published as pathogenic or benign to our knowledge

NM_052867.4(NALCN):c.3460G>A (p.Val1154Ile)

Gene: NALCN (sodium leak channel, non-selective; minus strand). Cytogenetic location: 13q32.3.
Variant type: single nucleotide variant.
Coding change: c.3460G>A on transcript NM_052867.4 (MANE Select); coding-DNA position 3460, G replaced by A.
Protein change: p.Val1154Ile; replaces valine 1154 with isoleucine.
Molecular consequence: missense variant.
Genome position (GRCh38, 1-based): chr13:101,089,692, C>T on the plus strand (G>A on the coding strand, the complement: NALCN is on the minus strand). VCF-style: chr13-101089692-C-T. GRCh37 (hg19) VCF-style: chr13-101742043-C-T.
Other names: c.3547G>A, p.Val1183Ile (NM_001350748.2); c.3460G>A, p.Val1154Ile (NM_001350749.2); c.3373G>A, p.Val1125Ile (NM_001350750.2, NM_001350751.2); short protein forms V1125I, V1154I, V1183I.
Identifiers: ClinVar variation 3371451 (VCV003371451.1).